The following is an entry in ClinVar:

ClinVar aggregate classification (germline): Pathogenic/Likely pathogenic. Review status: criteria provided, multiple submitters, no conflicts (2 of 4 stars). 23 submissions from 23 submitters: Pathogenic (18); Likely pathogenic (1). 4 of the submissions do not count toward it. Last evaluated 2026-02-04.

Conditions:
STAC3-related disorder. Also called: STAC3-related condition.
Bailey-Bloch congenital myopathy (CMYO13). Also called: Congenital myopathy 13; Native American myopathy; STAC3 disorder. Identifiers: Orphanet 168572, MedGen C1850625, MONDO:0009722, OMIM 255995.

Allele frequency attached by ClinVar (database versions not stated): gnomAD exomes 0.00003 and 0.00009; ExAC 0.00011; ESP Exome Variant Server 0.00023; gnomAD 0.00033 and 0.00039; TOPMed 0.00045.
gnomAD v4.1: 104 of 1,614,214 alleles (0.0064%); highest among the groups gnomAD compares: African/African-American, 0.1%; no homozygotes.

Submissions 1 to 16 of 23:

Dasa
Classification: Pathogenic. Last evaluated: 2026-02-04. Review status: criteria provided, single submitter. Criteria: DASA Assertion Criteria. Collection method: clinical testing. Allele origin: germline.
Comment: NM_145064.3(STAC3):c.851G>C (p.Trp284Ser) is a missense variant that results in the substitution of tryptophan with serine. Functional evidence supports a deleterious effect on the gene or gene product (PMID: 23736855; PMID: 28777491; PMID: 30168660). This variant has been recurrently observed in individuals with related phenotype (PMID: 23736855; PMID: 28777491; PMID: 30168660). Segregation evidence has been reported in affected families. Multiple computational predictions support a deleterious effect on the gene or gene product. The variant is present at low frequency in population datasets. Based on the available data, this variant is classified as pathogenic.

Labcorp Genetics (formerly Invitae), Labcorp
Classification: Pathogenic for Bailey-Bloch congenital myopathy. Last evaluated: 2026-01-18. Review status: criteria provided, single submitter. Criteria: Invitae Variant Classification Sherloc (09022015). Collection method: clinical testing. Allele origin: germline.
Comment: This sequence change replaces tryptophan, which is neutral and slightly polar, with serine, which is neutral and polar, at codon 284 of the STAC3 protein (p.Trp284Ser). This variant is present in population databases (rs140291094, gnomAD 0.1%). This missense change has been observed in individual(s) with Native American myopathy, Carey–Fineman–Ziter syndrome and Moebius syndrome (PMID: 23736855, 28777491). It has also been observed to segregate with disease in related individuals. ClinVar contains an entry for this variant (Variation ID: 88744). Invitae Evidence Modeling of protein sequence and biophysical properties (such as structural, functional, and spatial information, amino acid conservation, physicochemical variation, residue mobility, and thermodynamic stability) indicates that this missense variant is expected to disrupt STAC3 protein function with a positive predictive value of 80%. Experimental studies have shown that this missense change affects STAC3 function (PMID: 23736855). For these reasons, this variant has been classified as Pathogenic.

Mayo Clinic Laboratories, Mayo Clinic
Classification: Pathogenic. Last evaluated: 2025-02-04. Review status: criteria provided, single submitter. Criteria: ACMG Guidelines, 2015. Collection method: clinical testing. Allele origin: germline. Observed: 1 variant allele.
Comment: PP1_strong, PP2, PP3_moderate, PM3, PS3, PS4

Greenwood Genetic Center Diagnostic Laboratories, Greenwood Genetic Center
Classification: Pathogenic for Bailey-Bloch congenital myopathy. Last evaluated: 2024-12-18. Review status: criteria provided, single submitter. Criteria: ACMG Guidelines, 2015. Collection method: clinical testing. Allele origin: germline. Affected: yes.
Comment: PS3, PM2, PM3_Strong

Blueprint Genetics
Classification: Pathogenic for STAC3-related disorders. Last evaluated: 2024-11-25. Review status: criteria provided, single submitter. Criteria: ACMG Guidelines, 2015. Collection method: clinical testing. Allele origin: germline. Affected: yes. Observed: 5 variant alleles.

Dubai Health Genomic Medicine Center, Dubai Health
Classification: Pathogenic for Congenital myopathy 13. Last evaluated: 2024-10-04. Review status: criteria provided, single submitter. Criteria: ACMG Guidelines, 2015. Collection method: research. Allele origin: germline. Affected: yes.
Comment: PM3,PP1,PM2,PP3

Laboratoire de Génétique Moléculaire, CHU Bordeaux
Classification: Pathogenic for Bailey-Bloch congenital myopathy. Last evaluated: 2024-05-17. Review status: criteria provided, single submitter. Criteria: ACMG Guidelines, 2015. Collection method: clinical testing. Allele origin: germline. Affected: yes.

Genomic Medicine Center of Excellence, King Faisal Specialist Hospital and Research Centre
Classification: Likely pathogenic for Bailey-Bloch congenital myopathy. Last evaluated: 2024-03-17. Review status: criteria provided, single submitter. Criteria: ACMG Guidelines, 2015. Collection method: research. Allele origin: germline.

Division of Human Genetics, National Health Laboratory Service/University of the Witwatersrand
Classification: Pathogenic for Bailey-Bloch congenital myopathy. Last evaluated: 2023-07-01. Review status: criteria provided, single submitter. Criteria: ACMG Guidelines, 2015. Collection method: research. Allele origin: germline. Affected: yes.

GeneDx
Classification: Pathogenic. Last evaluated: 2022-08-22. Review status: criteria provided, single submitter. Criteria: GeneDx Variant Classification Process June 2021. Collection method: clinical testing. Allele origin: germline. Affected: yes.
Comment: Published functional studies demonstrate a damaging effect (reduction of amount, organization, stability, and voltage sensitivity of calcium channels) (Linsley et al., 2017; Horstick et al., 2013); In silico analysis supports that this missense variant has a deleterious effect on protein structure/function; This variant is associated with the following publications: (PMID: 28003463, 27621462, 28777491, 28676249, 29078335, 23736855, 30168660, 30872186, 34374989, 35205385, 35912995, 35481653, 34208776, 33827624, 33060286)

Women's Health and Genetics/Laboratory Corporation of America, LabCorp
Classification: Pathogenic for Bailey-Bloch congenital myopathy. Last evaluated: 2022-08-05. Review status: criteria provided, single submitter. Criteria: LabCorp Variant Classification Summary - May 2015. Collection method: clinical testing. Allele origin: germline.
Comment: Variant summary: STAC3 c.851G>C (p.Trp284Ser) results in a non-conservative amino acid change located in the SH3 domain (IPR001452) of the encoded protein sequence. Five of five in-silico tools predict a damaging effect of the variant on protein function. The variant allele was found at a frequency of 9.1e-05 in 251398 control chromosomes, predominantly at a frequency of 0.0011 within the African or African-American subpopulation in the gnomAD database. c.851G>C has been reported in the literature as a biallelic genotype in multiple individuals affected with Bailey-Bloch Congenital Myopathy and has been found to segregrate with the disease phenotype in multiple families affected with the disorder (e.g. Horstick_2013, Telegrafi_2017, Zaharieva_2018). These data indicate that the variant is very likely to be associated with disease. At least one experimental study examining the effect of the variant protein in a zebrafish model system found that it diminished excitation-contraction coupling in fast twitch muscle, suggesting that the variant affects normal protein function (e.g. Horstick_2013). Ten submitters have provided clinical-significance assessments for this variant to ClinVar after 2014 and all classified the variant as pathogenic. Based on the evidence outlined above, the variant was classified as pathogenic.

3billion
Classification: Pathogenic for Bailey-Bloch congenital myopathy. Last evaluated: 2022-01-03. Review status: criteria provided, single submitter. Criteria: ACMG Guidelines, 2015. Collection method: clinical testing. Allele origin: germline. Affected: yes. Observed: 1 homozygote.
Comment: The variant has been observed in multiple (>3) similarly affected unrelated individuals (PMID: 28777491, 23736855, PS4_S). The variant has been reported to be in trans with a pathogenic variant as either compound heterozygous or homozygous in at least one similarly affected unrelated individual (PMID: 28777491, PM3_M) and co-segregated with Myopathy, congenital, Baily-Bloch in multiple affected family members (PMID: 28777491, PP1_P). In silico tool predictions suggest damaging effect of the variant on gene or gene product (REVEL: 0.886, 3CNET: 0.861, PP3_P). It is observed at an extremely low frequency in the gnomAD v2.1.1 dataset (total allele frequency: 0.000117, PM2_M). Therefore, this variant is classified as pathogenic according to the recommendation of ACMG/AMP guideline.

Revvity Omics, Revvity
Classification: Pathogenic for Bailey-Bloch congenital myopathy. Last evaluated: 2021-01-13. Review status: criteria provided, single submitter. Criteria: ACMG Guidelines, 2015. Collection method: clinical testing. Allele origin: germline.

CENTOGENE GmbH and LLC - Guiding Precision Medicine
Classification: Pathogenic for Bailey-Bloch congenital myopathy. Last evaluated: 2020-10-27. Review status: criteria provided, single submitter. Criteria: ACMG Guidelines, 2015. Collection method: clinical testing. Allele origin: biparental. Affected: yes.

CeGaT Center for Human Genetics Tuebingen
Classification: Pathogenic. Last evaluated: 2019-07-01. Review status: criteria provided, single submitter. Criteria: CeGaT Center For Human Genetics Tuebingen Variant Classification Criteria Version 2. Collection method: clinical testing. Allele origin: germline. Affected: yes. Observed: 2 variant alleles.

Fulgent Genetics
Classification: Pathogenic for Bailey-Bloch congenital myopathy. Last evaluated: 2018-10-31. Review status: criteria provided, single submitter. Criteria: ACMG Guidelines, 2015. Collection method: clinical testing. Allele origin: unknown.

NM_145064.3(STAC3):c.851G>C (p.Trp284Ser)

Gene: STAC3 (SH3 and cysteine rich domain 3; minus strand). Cytogenetic location: 12q13.3.
Variant type: single nucleotide variant.
Coding change: c.851G>C on transcript NM_145064.3 (MANE Select); coding-DNA position 851, G replaced by C.
Protein change: p.Trp284Ser; replaces tryptophan 284 with serine.
Molecular consequence: missense variant. On other transcripts: non-coding transcript variant (1).
Genome position (GRCh38, 1-based): chr12:57,244,322, C>G on the plus strand (G>C on the coding strand, the complement: STAC3 is on the minus strand). VCF-style: chr12-57244322-C-G. GRCh37 (hg19) VCF-style: chr12-57638105-C-G.
Other names: c.763_766delCTCT;615521.0004 (NM_145064.2); c.734G>C, p.Trp245Ser (NM_001286256.2); c.293G>C, p.Trp98Ser (NM_001286257.2); short protein forms W284S, W245S, W98S.
Identifiers: ClinVar variation 88744 (VCV000088744.83), dbSNP rs140291094, ClinGen allele CA145329.